The following is an entry in ClinVar:

NM_176787.5(PIGN):c.2340T>A (p.Tyr780Ter)

Gene: PIGN (phosphatidylinositol glycan anchor biosynthesis class N; minus strand). Cytogenetic location: 18q21.33.
Variant type: single nucleotide variant.
Coding change: c.2340T>A on transcript NM_176787.5 (MANE Select); coding-DNA position 2340, T replaced by A.
Protein change: p.Tyr780Ter; replaces tyrosine 780 with a stop codon.
Molecular consequence: nonsense.
Genome position (GRCh38, 1-based): chr18:62,088,786, A>T on the plus strand (T>A on the coding strand, the complement: PIGN is on the minus strand). VCF-style: chr18-62088786-A-T. GRCh37 (hg19) VCF-style: chr18-59756019-A-T.
Other names: c.2340T>A, p.Tyr780Ter (NM_012327.6); short protein forms Y780*.
Identifiers: ClinVar variation 264635 (VCV000264635.43), dbSNP rs749334082, ClinGen allele CA8982008.
Genomic context (GRCh38, chr18:62,088,786, plus strand): 5'-TCTTTAAACCAAAGTCTCCACAAAGGATACAAGGAAAAAGGCCCTACGGATGTCATCCAG[A>T]TATAGCTGTCGAAACTGAGTTATATCAGTATTATAAGAGAACTGGATACTGGTGAGCTGT-3'

ClinVar aggregate classification (germline): Pathogenic. Review status: criteria provided, multiple submitters, no conflicts (2 of 4 stars). 5 submissions from 5 submitters: Pathogenic (4). 1 of the submissions does not count toward it. Last evaluated 2024-11-16.

Conditions:
Multiple congenital anomalies-hypotonia-seizures syndrome 1 (MCAHS1). Also called: GLYCOSYLPHOSPHATIDYLINOSITOL BIOSYNTHESIS DEFECT 3; PIGN-CDG; Congenital disorder of glycosylation due to PIGN deficiency. Identifiers: Orphanet 280633, MedGen C3279775, MONDO:0013563, OMIM 614080.

Allele frequency attached by ClinVar (database versions not stated): gnomAD exomes 0.00001 and 0.00003; TOPMed 0.00003; ExAC 0.00004; gnomAD 0.00004.
gnomAD v4.1: 51 of 1,565,898 alleles (0.0033%); highest among the groups gnomAD compares: Non-Finnish European, 0.0041%; no homozygotes.

Submissions (5):

Labcorp Genetics (formerly Invitae), Labcorp
Classification: Pathogenic for Multiple congenital anomalies-hypotonia-seizures syndrome 1. Last evaluated: 2024-11-16. Review status: criteria provided, single submitter. Criteria: Invitae Variant Classification Sherloc (09022015). Collection method: clinical testing. Allele origin: germline.
Comment: This sequence change creates a premature translational stop signal (p.Tyr780*) in the PIGN gene. It is expected to result in an absent or disrupted protein product. Loss-of-function variants in PIGN are known to be pathogenic (PMID: 24253414, 27038415). The frequency data for this variant in the population databases is considered unreliable, as metrics indicate poor data quality at this position in the gnomAD database. This premature translational stop signal has been observed in individual(s) with multiple congenital anomalies-hypotonia-seizures syndrome (MCAHS1) (PMID: 26394714). It has also been observed to segregate with disease in related individuals. ClinVar contains an entry for this variant (Variation ID: 264635). Algorithms developed to predict the effect of sequence changes on RNA splicing suggest that this variant may disrupt the consensus splice site. For these reasons, this variant has been classified as Pathogenic.

Baylor Genetics
Classification: Pathogenic for Multiple congenital anomalies-hypotonia-seizures syndrome 1. Last evaluated: 2024-03-15. Review status: criteria provided, single submitter. Criteria: ACMG Guidelines, 2015. Collection method: clinical testing. Allele origin: unknown.

GeneDx
Classification: Pathogenic. Last evaluated: 2023-07-13. Review status: criteria provided, single submitter. Criteria: GeneDx Variant Classification Process June 2021. Collection method: clinical testing. Allele origin: germline. Affected: yes.
Comment: Nonsense variant predicted to result in protein truncation or nonsense mediated decay in a gene for which loss of function is a known mechanism of disease; Not observed at significant frequency in large population cohorts (gnomAD); This variant is associated with the following publications: (PMID: 37088336, 31440721, 36322149, 36384198, 26394714)

CeGaT Center for Human Genetics Tuebingen
Classification: Pathogenic. Last evaluated: 2021-10-01. Review status: criteria provided, single submitter. Criteria: CeGaT Center For Human Genetics Tuebingen Variant Classification Criteria Version 2. Collection method: clinical testing. Allele origin: germline. Affected: yes. Observed: 1 variant allele.

OMIM
Classification: Pathogenic for MULTIPLE CONGENITAL ANOMALIES-HYPOTONIA-SEIZURES SYNDROME 1. Last evaluated: 2016-09-28. Review status: no assertion criteria provided. Collection method: literature only. Allele origin: germline. Not counted in ClinVar's aggregate classification.

Literature cited by the submitters: PubMed 24253414 (cited by Labcorp Genetics (formerly Invitae), Labcorp); PubMed 27038415 (cited by Labcorp Genetics (formerly Invitae), Labcorp); PubMed 26394714 (cited by Labcorp Genetics (formerly Invitae), Labcorp and OMIM).